The following is an entry in ClinVar:

ClinVar aggregate classification (germline): Uncertain significance. Review status: criteria provided, multiple submitters, no conflicts (2 of 4 stars). 2 submissions from 2 submitters: Uncertain significance (2). Last evaluated 2024-07-03.

Conditions:
Tumor predisposition syndrome 3 (TPDS3). Also called: Melanoma, cutaneous malignant, susceptibility to, 10; Glioma susceptibility 9; LONG TELOMERE SYNDROME, POT1-RELATED; POT1 Tumor Predisposition. Identifiers: Orphanet 618, MedGen C4014476, MONDO:0014368, OMIM 615848.
Hereditary cancer-predisposing syndrome. Also called: Hereditary Cancer Syndrome; Hereditary neoplastic syndrome; Neoplastic Syndromes, Hereditary; Tumor predisposition. Identifiers: Orphanet 140162, MedGen C0027672, MeSH D009386, MONDO:0015356.

Submissions (2):

Labcorp Genetics (formerly Invitae), Labcorp
Classification: Uncertain significance for Tumor predisposition syndrome 3. Last evaluated: 2024-07-03. Review status: criteria provided, single submitter. Criteria: Invitae Variant Classification Sherloc (09022015). Collection method: clinical testing. Allele origin: germline.
Comment: This sequence change replaces valine, which is neutral and non-polar, with phenylalanine, which is neutral and non-polar, at codon 235 of the POT1 protein (p.Val235Phe). This variant is not present in population databases (gnomAD no frequency). This variant has not been reported in the literature in individuals affected with POT1-related conditions. ClinVar contains an entry for this variant (Variation ID: 1756835). An algorithm developed to predict the effect of missense changes on protein structure and function (PolyPhen-2) suggests that this variant is likely to be tolerated. Algorithms developed to predict the effect of sequence changes on RNA splicing suggest that this variant may disrupt the consensus splice site. In summary, the available evidence is currently insufficient to determine the role of this variant in disease. Therefore, it has been classified as a Variant of Uncertain Significance.

Ambry Genetics
Classification: Uncertain significance for Hereditary cancer-predisposing syndrome. Last evaluated: 2022-09-19. Review status: criteria provided, single submitter. Criteria: Ambry Variant Classification Scheme 2023. Collection method: clinical testing. Allele origin: germline.
Comment: The p.V235F variant (also known as c.703G>T) is located in coding exon 6 of the POT1 gene. The valine at codon 235 is replaced by phenylalanine, an amino acid with highly similar properties. This change occurs in the first base pair of coding exon 6. This amino acid position is conserved. In addition, this alteration is predicted to be tolerated by in silico analysis. Since supporting evidence is limited at this time, the clinical significance of this alteration remains unclear.

NM_015450.3(POT1):c.703G>T (p.Val235Phe)

Gene: POT1 (protection of telomeres 1; minus strand). Cytogenetic location: 7q31.33.
Variant type: single nucleotide variant.
Coding change: c.703G>T on transcript NM_015450.3 (MANE Select); coding-DNA position 703, G replaced by T.
Protein change: p.Val235Phe; replaces valine 235 with phenylalanine.
Molecular consequence: missense variant. On other transcripts: non-coding transcript variant (3).
Genome position (GRCh38, 1-based): chr7:124,853,138, C>A on the plus strand (G>T on the coding strand, the complement: POT1 is on the minus strand). VCF-style: chr7-124853138-C-A. GRCh37 (hg19) VCF-style: chr7-124493192-C-A.
Other names: c.310G>T, p.Val104Phe (NM_001042594.2); short protein forms V104F, V235F.
Identifiers: ClinVar variation 1756835 (VCV001756835.4), dbSNP rs753638532, ClinGen allele CA369055768.